The following is an entry in ClinVar:

ClinVar aggregate classification (germline): Uncertain significance (1 of 4 stars; one submission).

Conditions:
Inborn genetic diseases. Identifiers: MedGen C0950123, MeSH D030342.

Allele frequency attached by ClinVar (database versions not stated): TOPMed below 0.00001; gnomAD 0.00001.
gnomAD v4.1: 2 of 1,614,000 alleles (0.00012%); highest among the groups gnomAD compares: African/African-American, 0.0027%; no homozygotes.

Submission:

Ambry Genetics
Classification: Uncertain significance for Inborn genetic diseases. Last evaluated: 2022-04-12. Review status: criteria provided, single submitter. Criteria: Ambry Variant Classification Scheme 2023. Collection method: clinical testing. Allele origin: germline.
Comment: The p.V357E variant (also known as c.1070T>A), located in coding exon 4 of the ATR gene, results from a T to A substitution at nucleotide position 1070. The valine at codon 357 is replaced by glutamic acid, an amino acid with dissimilar properties. This amino acid position is conserved. In addition, this alteration is predicted to be deleterious by in silico analysis. Since supporting evidence is limited at this time, the clinical significance of this alteration remains unclear.

NM_001184.4(ATR):c.1070T>A (p.Val357Glu)

Gene: ATR (ATR checkpoint kinase; minus strand). Cytogenetic location: 3q23.
Variant type: single nucleotide variant.
Coding change: c.1070T>A on transcript NM_001184.4 (MANE Select); coding-DNA position 1070, T replaced by A.
Protein change: p.Val357Glu; replaces valine 357 with glutamic acid.
Molecular consequence: missense variant.
Genome position (GRCh38, 1-based): chr3:142,562,332, A>T on the plus strand (T>A on the coding strand, the complement: ATR is on the minus strand). VCF-style: chr3-142562332-A-T. GRCh37 (hg19) VCF-style: chr3-142281174-A-T.
Other names: c.1070T>A, p.Val357Glu (NM_001354579.2); short protein forms V357E.
Identifiers: ClinVar variation 1783346 (VCV001783346.2), dbSNP rs1207025746, ClinGen allele CA354823806.